The following is an entry in ClinVar:

ClinVar aggregate classification (germline): Uncertain significance (1 of 4 stars; one submission).

Conditions:
Hereditary cancer-predisposing syndrome. Also called: Tumor predisposition; Hereditary neoplastic syndrome; Neoplastic Syndromes, Hereditary; Hereditary Cancer Syndrome. Identifiers: Orphanet 140162, MedGen C0027672, MeSH D009386, MONDO:0015356.

Submission:

Ambry Genetics
Classification: Uncertain significance for Hereditary cancer-predisposing syndrome. Last evaluated: 2019-06-06. Review status: criteria provided, single submitter. Criteria: Ambry Variant Classification Scheme 2023. Collection method: clinical testing. Allele origin: germline.
Comment: The p.D433H variant (also known as c.1297G>C), located in coding exon 6 of the BLM gene, results from a G to C substitution at nucleotide position 1297. The aspartic acid at codon 433 is replaced by histidine, an amino acid with similar properties. This amino acid position is poorly conserved in available vertebrate species. In addition, this alteration is predicted to be tolerated by in silico analysis. Since supporting evidence is limited at this time, the clinical significance of this alteration remains unclear.

NM_000057.4(BLM):c.1297G>C (p.Asp433His)

Gene: BLM (BLM RecQ like helicase; plus strand). Cytogenetic location: 15q26.1.
Variant type: single nucleotide variant.
Coding change: c.1297G>C on transcript NM_000057.4 (MANE Select); coding-DNA position 1297, G replaced by C.
Protein change: p.Asp433His; replaces aspartic acid 433 with histidine.
Molecular consequence: missense variant.
Genome position (GRCh38, 1-based): chr15:90,760,670, G>C. VCF-style: chr15-90760670-G-C. GRCh37 (hg19) VCF-style: chr15-91303900-G-C.
Other names: c.1297G>C, p.Asp433His (NM_001287246.2, NM_001287247.2); c.172G>C, p.Asp58His (NM_001287248.2); short protein forms D433H, D58H.
Identifiers: ClinVar variation 818834 (VCV000818834.4), dbSNP rs1596229549, ClinGen allele CA393842755.